The following is an entry in ClinVar:

ClinVar aggregate classification (germline): Conflicting classifications of pathogenicity. Review status: criteria provided, conflicting classifications (1 of 4 stars). 4 submissions from 3 submitters: Uncertain significance (3); Likely benign (1). Last evaluated 2025-12-01.

Conditions:
Microcephaly 9, primary, autosomal recessive. Identifiers: Orphanet 2512, MedGen C3553886, MONDO:0013923, OMIM 614852.
Seckel syndrome 5 (SCKL5). Identifiers: Orphanet 808, MedGen C3151187, MONDO:0013443, OMIM 613823.

Allele frequency attached by ClinVar (database versions not stated): ESP Exome Variant Server 0.00008; 1000 Genomes Project 0.00020; TOPMed 0.00020; gnomAD exomes 0.00016 and 0.00031; gnomAD 0.00019; ExAC 0.00027; 1000 Genomes Project 30x 0.00031.
gnomAD v4.1: 269 of 1,613,286 alleles (0.017%); highest among the groups gnomAD compares: Admixed American, 0.0067%; no homozygotes.

Submissions (4):

Labcorp Genetics (formerly Invitae), Labcorp
Classification: Likely benign. Last evaluated: 2025-12-01. Review status: criteria provided, single submitter. Criteria: Invitae Variant Classification Sherloc (09022015). Collection method: clinical testing. Allele origin: germline.

Illumina Laboratory Services, Illumina
Classification: Uncertain significance for Microcephaly 9, primary, autosomal recessive. Last evaluated: 2018-01-12. Review status: criteria provided, single submitter. Criteria: ICSL Variant Classification Criteria 13 December 2019. Collection method: clinical testing. Allele origin: germline.

Illumina Laboratory Services, Illumina
Classification: Uncertain significance for Seckel syndrome 5. Last evaluated: 2018-01-12. Review status: criteria provided, single submitter. Criteria: ICSL Variant Classification Criteria 13 December 2019. Collection method: clinical testing. Allele origin: germline.

GeneDx
Classification: Uncertain significance. Last evaluated: 2017-02-15. Review status: criteria provided, single submitter. Criteria: GeneDx Variant Classification (06012015). Collection method: clinical testing. Allele origin: germline. Affected: yes.
Comment: A variant of uncertain significance has been identified in the CEP152 gene. The S2T variant has not been published as a pathogenic variant, nor has it been reported as a benign variant to our knowledge. The S2T variant is observed in 31/66,384 (0.05%) alleles from individuals of European background, in large population cohorts (Lek et al., 2016; 1000 Genomes Consortium et al., 2015; Exome Variant Server). The S2T variant is a conservative amino acid substitution, which is not likely to impact secondary protein structure as these residues share similar properties. However, this substitution occurs at a position that is conserved across species, and in silico analysis predicts this variant is probably damaging to the protein structure/function. Therefore, based on the currently available information, it is unclear whether this variant is a pathogenic variant or a rare benign variant.

NM_001194998.2(CEP152):c.4T>A (p.Ser2Thr)

Gene: CEP152 (centrosomal protein 152; minus strand). Cytogenetic location: 15q21.1.
Variant type: single nucleotide variant.
Coding change: c.4T>A on transcript NM_001194998.2 (MANE Select); coding-DNA position 4, T replaced by A.
Protein change: p.Ser2Thr; replaces serine 2 with threonine.
Molecular consequence: missense variant.
Genome position (GRCh38, 1-based): chr15:48,805,646, A>T on the plus strand (T>A on the coding strand, the complement: CEP152 is on the minus strand). VCF-style: chr15-48805646-A-T. GRCh37 (hg19) VCF-style: chr15-49097843-A-T.
Other names: c.4T>A, p.Ser2Thr (NM_014985.4); short protein forms S2T.
Identifiers: ClinVar variation 316433 (VCV000316433.16), dbSNP rs374200686, ClinGen allele CA7549267.